The following is an entry in ClinVar:

NM_006947.4(SRP72):c.766_767+2del

Gene: SRP72 (signal recognition particle 72; plus strand). Cytogenetic location: 4q12.
Variant type: Deletion.
Coding change: c.766_767+2del on transcript NM_006947.4 (MANE Select); coding-DNA position 766 through the canonical splice donor site of the intron after coding-DNA position 767, 4 bases deleted (AAGT; older notation c.766_767+2delAAGT).
Molecular consequence: splice donor variant. On other transcripts: intron variant (1).
Genome position (GRCh38, 1-based): chr4:56,478,502-56,478,505, AAGT deleted. VCF-style (leftmost placement, unchanged base first): chr4-56478501-AAAGT-A. GRCh37 (hg19) VCF-style: chr4-57344667-AAAGT-A.
Other names: c.642+1800_642+1803del (NM_001267722.2).
Identifiers: ClinVar variation 4728315 (VCV004728315.1).

ClinVar aggregate classification (germline): Uncertain significance (1 of 4 stars; one submission).

Submission:

Labcorp Genetics (formerly Invitae), Labcorp
Classification: Uncertain significance. Last evaluated: 2025-10-06. Review status: criteria provided, single submitter. Criteria: Invitae Variant Classification Sherloc (09022015). Collection method: clinical testing. Allele origin: germline.
Comment: This variant results in the deletion of part of exon 7 (c.766_767+2del) of the SRP72 gene. It is expected to disrupt RNA splicing. Variants that disrupt the donor or acceptor splice site typically lead to a loss of protein function (PMID: 16199547), however the current clinical and genetic evidence is not sufficient to establish whether loss-of-function variants in SRP72 cause disease. This variant is not present in population databases (gnomAD no frequency). This variant has not been reported in the literature in individuals affected with SRP72-related conditions. In summary, the available evidence is currently insufficient to determine the role of this variant in disease. Therefore, it has been classified as a Variant of Uncertain Significance.

Literature cited by the submitters: PubMed 16199547.